The following is an entry in ClinVar:

NM_001429.4(EP300):c.3451C>T (p.Gln1151Ter)

Gene: EP300 (E1A binding protein p300; plus strand). Cytogenetic location: 22q13.2.
Variant type: single nucleotide variant.
Coding change: c.3451C>T on transcript NM_001429.4 (MANE Select); coding-DNA position 3451, C replaced by T.
Protein change: p.Gln1151Ter; replaces glutamine 1151 with a stop codon.
Molecular consequence: nonsense.
Genome position (GRCh38, 1-based): chr22:41,157,358, C>T. VCF-style: chr22-41157358-C-T. GRCh37 (hg19) VCF-style: chr22-41553362-C-T.
Other names: c.3373C>T, p.Gln1125Ter (NM_001362843.2); short protein forms Q1125*, Q1151*.
Identifiers: ClinVar variation 2628992 (VCV002628992.1), dbSNP rs2145747771, ClinGen allele CA411695013.

ClinVar aggregate classification (germline): Likely pathogenic (1 of 4 stars; one submission).

Conditions:
EP300-related disorder. Also called: EP300-related condition; EP300-related disorders.

Submission:

PreventionGenetics, part of Exact Sciences
Classification: Likely pathogenic for EP300-related condition. Last evaluated: 2022-11-28. Review status: criteria provided, single submitter. Criteria: ACMG Guidelines, 2015. Collection method: clinical testing. Allele origin: germline.
Comment: The EP300 c.3451C>T variant is predicted to result in premature protein termination (p.Gln1151*). To our knowledge, this variant has not been reported in the literature or in a large population database, indicating this variant is rare. Nonsense variants in EP300 are expected to be pathogenic. This variant is interpreted as likely pathogenic.